The following is an entry in ClinVar:

NM_004655.4(AXIN2):c.6T>G (p.Ser2Arg)

Gene: AXIN2 (axin 2; minus strand). Cytogenetic location: 17q24.1.
Variant type: single nucleotide variant.
Coding change: c.6T>G on transcript NM_004655.4 (MANE Select); coding-DNA position 6, T replaced by G.
Protein change: p.Ser2Arg; replaces serine 2 with arginine.
Molecular consequence: missense variant.
Genome position (GRCh38, 1-based): chr17:65,558,615, A>C on the plus strand (T>G on the coding strand, the complement: AXIN2 is on the minus strand). VCF-style: chr17-65558615-A-C. GRCh37 (hg19) VCF-style: chr17-63554733-A-C.
Other names: c.6T>G (NM_004655.3); c.6T>G, p.Ser2Arg (NM_001363813.1); short protein forms S2R.
Identifiers: ClinVar variation 1019262 (VCV001019262.17), dbSNP rs1475337539, ClinGen allele CA400682511.

ClinVar aggregate classification (germline): Uncertain significance. Review status: criteria provided, multiple submitters, no conflicts (2 of 4 stars). 3 submissions from 3 submitters: Uncertain significance (2). 1 of the submissions does not count toward it. Last evaluated 2025-11-10.

Conditions:
AXIN2-related disorder.
Hereditary cancer-predisposing syndrome. Also called: Tumor predisposition; Neoplastic Syndromes, Hereditary; Hereditary neoplastic syndrome; Hereditary Cancer Syndrome. Identifiers: Orphanet 140162, MedGen C0027672, MeSH D009386, MONDO:0015356.
Oligodontia-cancer predisposition syndrome. Also called: TOOTH AGENESIS-COLORECTAL CANCER SYNDROME. Identifiers: Orphanet 300576, MedGen C1837750, MONDO:0012075, OMIM 608615. Disease mechanism: loss of function.

Allele frequency attached by ClinVar (database versions not stated): gnomAD exomes below 0.00001.
gnomAD v4.1: 6 of 1,605,700 alleles (0.00037%); highest among the groups gnomAD compares: East Asian, 0.0022%; no homozygotes.

Submissions (3):

Labcorp Genetics (formerly Invitae), Labcorp
Classification: Uncertain significance for Oligodontia-cancer predisposition syndrome. Last evaluated: 2025-11-10. Review status: criteria provided, single submitter. Criteria: Invitae Variant Classification Sherloc (09022015). Collection method: clinical testing. Allele origin: germline.
Comment: This sequence change replaces serine, which is neutral and polar, with arginine, which is basic and polar, at codon 2 of the AXIN2 protein (p.Ser2Arg). This variant is present in population databases (no rsID available, gnomAD 0.006%). This variant has not been reported in the literature in individuals affected with AXIN2-related conditions. ClinVar contains an entry for this variant (Variation ID: 1019262). An algorithm developed to predict the effect of missense changes on protein structure and function (PolyPhen-2) suggests that this variant is likely to be disruptive. In summary, the available evidence is currently insufficient to determine the role of this variant in disease. Therefore, it has been classified as a Variant of Uncertain Significance.

Ambry Genetics
Classification: Uncertain significance for Hereditary cancer-predisposing syndrome. Last evaluated: 2024-08-27. Review status: criteria provided, single submitter. Criteria: Ambry Variant Classification Scheme 2023. Collection method: clinical testing. Allele origin: germline.
Comment: The p.S2R variant (also known as c.6T>G), located in coding exon 1 of the AXIN2 gene, results from a T to G substitution at nucleotide position 6. The serine at codon 2 is replaced by arginine, an amino acid with dissimilar properties. This amino acid position is well conserved in available vertebrate species. In addition, the in silico prediction for this alteration is inconclusive. Based on the available evidence, the clinical significance of this variant remains unclear.

PreventionGenetics, part of Exact Sciences
Classification: Uncertain significance for AXIN2-related condition. Last evaluated: 2023-12-04. Review status: no assertion criteria provided. Collection method: clinical testing. Allele origin: germline. Not counted in ClinVar's aggregate classification.
Comment: The AXIN2 c.6T>G variant is predicted to result in the amino acid substitution p.Ser2Arg. To our knowledge, this variant has not been reported in the literature. This variant is reported in 0.0055% of alleles in individuals of East Asian descent in gnomAD. It is interpreted as uncertain significance in ClinVar. At this time, the clinical significance of this variant is uncertain due to the absence of conclusive functional and genetic evidence.